The following is an entry in ClinVar:

ClinVar aggregate classification (germline): Likely benign (1 of 4 stars; one submission).

Conditions:
ZNF850-related condition.

gnomAD v4.1: 36 of 1,566,784 alleles (0.0023%); highest among the groups gnomAD compares: South Asian, 0.013%; no homozygotes.

Submission:

PreventionGenetics, part of Exact Sciences
Classification: Likely benign for ZNF850-related condition. Last evaluated: 2026-03-07. Review status: criteria provided, single submitter. Criteria: ACMG Guidelines, 2015. Collection method: clinical testing. Allele origin: germline.
Comment: This variant is classified as likely benign based on ACMG/AMP sequence variant interpretation guidelines (Richards et al. 2015 PMID: 25741868, with internal and published modifications).

NM_001193552.2(ZNF850):c.3120G>A (p.Pro1040=)

Gene: ZNF850 (zinc finger protein 850; minus strand). Cytogenetic location: 19q13.12.
Variant type: single nucleotide variant.
Coding change: c.3120G>A on transcript NM_001193552.2 (MANE Select); coding-DNA position 3120, G replaced by A.
Protein change: p.Pro1040=; no amino-acid change (proline 1040 retained).
Molecular consequence: synonymous variant.
Genome position (GRCh38, 1-based): chr19:36,747,920, C>T on the plus strand (G>A on the coding strand, the complement: ZNF850 is on the minus strand). VCF-style: chr19-36747920-C-T. GRCh37 (hg19) VCF-style: chr19-37238822-C-T.
Other names: c.3024G>A, p.Pro1008= (NM_001267779.2).
Identifiers: ClinVar variation 4977771 (VCV004977771.1).